The following is an entry in ClinVar:

ClinVar aggregate classification (germline): Likely benign (1 of 4 stars; one submission).

Submission:

CeGaT Center for Human Genetics Tuebingen
Classification: Likely benign. Last evaluated: 2025-06-01. Review status: criteria provided, single submitter. Criteria: CeGaT Center For Human Genetics Tuebingen Variant Classification Criteria Version 2. Collection method: clinical testing. Allele origin: germline. Affected: yes. Observed: 1 variant allele.
Comment: SMARCC2: BP4, BP7

NM_001330288.2(SMARCC2):c.828A>G (p.Thr276=)

Gene: SMARCC2 (SWI/SNF related BAF chromatin remodeling complex subunit C2; minus strand). Cytogenetic location: 12q13.2.
Variant type: single nucleotide variant.
Coding change: c.828A>G on transcript NM_001330288.2 (MANE Select); coding-DNA position 828, A replaced by G.
Protein change: p.Thr276=; no amino-acid change (threonine 276 retained).
Molecular consequence: synonymous variant.
Genome position (GRCh38, 1-based): chr12:56,181,716, T>C on the plus strand (A>G on the coding strand, the complement: SMARCC2 is on the minus strand). VCF-style: chr12-56181716-T-C. GRCh37 (hg19) VCF-style: chr12-56575500-T-C.
Other names: c.828A>G, p.Thr276= (NM_001130420.3, NM_003075.5, NM_139067.4).
Identifiers: ClinVar variation 4084891 (VCV004084891.8).
Genomic context (GRCh38, chr12:56,181,716, plus strand): 5'-TGAGACTTATGCTAAGGGCGCCAGGAAAAAAAGAACAGGATTTGTCACCTCATCTGTCAG[T>C]GTCTTGGCTGAAATCTTCTTTCGGCGGGAGACAGGGTTTTTGTCATCATTTACTTCATAG-3'
Protein context (NP_001317217.1, residues 266-286): VSRRKKISAK[Thr276=]LTDEVNSPDS